The following is an entry in ClinVar:

ClinVar aggregate classification (germline): Pathogenic (1 of 4 stars; one submission).

Conditions:
Primary immunodeficiency with post-measles-mumps-rubella vaccine viral infection. Also called: Immunodeficiency 44. Identifiers: Orphanet 431166, MedGen C4225260, MONDO:0014715, OMIM 616636.

Submission:

Labcorp Genetics (formerly Invitae), Labcorp
Classification: Pathogenic for Primary immunodeficiency with post-measles-mumps-rubella vaccine viral infection. Last evaluated: 2023-02-01. Review status: criteria provided, single submitter. Criteria: Invitae Variant Classification Sherloc (09022015). Collection method: clinical testing. Allele origin: germline.
Comment: For these reasons, this variant has been classified as Pathogenic. This variant has not been reported in the literature in individuals affected with STAT2-related conditions. This variant is not present in population databases (gnomAD no frequency). This sequence change creates a premature translational stop signal (p.Leu733Serfs*5) in the STAT2 gene. It is expected to result in an absent or disrupted protein product. Loss-of-function variants in STAT2 are known to be pathogenic (PMID: 23391734, 26122121).

Literature cited by the submitters: PubMed 23391734; PubMed 26122121.

NM_005419.4(STAT2):c.2197del (p.Leu733fs)

Gene: STAT2 (signal transducer and activator of transcription 2; minus strand). Cytogenetic location: 12q13.3.
Variant type: Deletion.
Coding change: c.2197del on transcript NM_005419.4 (MANE Select); coding-DNA position 2197, one base deleted (C; older notation c.2197delC).
Protein change: p.Leu733fs; shifts the reading frame from leucine 733.
Molecular consequence: frameshift variant.
Genome position (GRCh38, 1-based): chr12:56,344,041, G deleted on the plus strand (C on the coding strand, the reverse complement: STAT2 is on the minus strand). VCF-style (leftmost placement, unchanged base first): chr12-56344040-AG-A. GRCh37 (hg19) VCF-style: chr12-56737824-AG-A.
Other names: c.2164del, p.Leu722fs (NM_001385110.1); c.2098del, p.Leu700fs (NM_001385111.1); c.2197del, p.Leu733fs (NM_001385113.1); c.2176del, p.Leu726fs (NM_001385114.1); c.2155del, p.Leu719fs (NM_001385115.1); c.2185del, p.Leu729fs (NM_198332.2); short protein forms L722fs, L729fs, L700fs, L733fs, L719fs, L726fs.
Identifiers: ClinVar variation 2832802 (VCV002832802.3), dbSNP rs2547239961, ClinGen allele CA2739272095.